The following is an entry in ClinVar:

ClinVar aggregate classification (germline): Likely benign. Review status: criteria provided, multiple submitters, no conflicts (2 of 4 stars). 2 submissions from 2 submitters: Likely benign (2). Last evaluated 2025-10-17.

Conditions:
Cardiovascular phenotype. Identifiers: MedGen CN230736.

gnomAD v4.1: 55 of 1,575,466 alleles (0.0035%); highest among the groups gnomAD compares: African/African-American, 0.074%; no homozygotes.

Submissions (2):

Mayo Clinic Laboratories, Mayo Clinic
Classification: Likely benign. Last evaluated: 2025-10-17. Review status: criteria provided, single submitter. Criteria: ACMG Guidelines, 2015. Collection method: clinical testing. Allele origin: germline. Observed: 1 variant allele.
Comment: BS1, BP4

Ambry Genetics
Classification: Likely benign for Cardiovascular phenotype. Last evaluated: 2022-10-03. Review status: criteria provided, single submitter. Criteria: Ambry Variant Classification Scheme 2023. Collection method: clinical testing. Allele origin: germline.

NM_004444.5(EPHB4):c.2948C>G (p.Pro983Arg)

Gene: EPHB4 (EPH receptor B4; minus strand). Cytogenetic location: 7q22.1.
Variant type: single nucleotide variant.
Coding change: c.2948C>G on transcript NM_004444.5 (MANE Select); coding-DNA position 2948, C replaced by G.
Protein change: p.Pro983Arg; replaces proline 983 with arginine.
Molecular consequence: missense variant.
Genome position (GRCh38, 1-based): chr7:100,803,477, G>C on the plus strand (C>G on the coding strand, the complement: EPHB4 is on the minus strand). VCF-style: chr7-100803477-G-C. GRCh37 (hg19) VCF-style: chr7-100401099-G-C.
Other names: p.Pro983Arg; short protein forms P983R.
Identifiers: ClinVar variation 1797989 (VCV001797989.3), dbSNP rs768926072, ClinGen allele CA4392473.
Genomic context (GRCh38, chr7:100,803,477, plus strand): 5'-GAAAATGGGGAGGCGGTGTCCCTGGGGTGGGGAGTTCCTGCAGGTCAGTACTGCGGGGCC[G>C]GTCCTCCTGTCCCACCCGGGGTTCCCGGCTTGGCCTGGGACTTCATGTGCTGGACACTGG-3'
Protein context (NP_004435.3, residues 973-987): KPGTPGGTGG[Pro983Arg]APQY